The following is an entry in ClinVar:

NM_000424.4(KRT5):c.205G>C (p.Gly69Arg)

Gene: KRT5 (keratin 5; minus strand). Cytogenetic location: 12q13.13.
Variant type: single nucleotide variant.
Coding change: c.205G>C on transcript NM_000424.4 (MANE Select); coding-DNA position 205, G replaced by C.
Protein change: p.Gly69Arg; replaces glycine 69 with arginine.
Molecular consequence: missense variant.
Genome position (GRCh38, 1-based): chr12:52,520,092, C>G on the plus strand (G>C on the coding strand, the complement: KRT5 is on the minus strand). VCF-style: chr12-52520092-C-G. GRCh37 (hg19) VCF-style: chr12-52913876-C-G.
Other names: short protein forms G69R.
Identifiers: ClinVar variation 2814428 (VCV002814428.3), dbSNP rs1565594178, ClinGen allele CA384930391.

ClinVar aggregate classification (germline): Uncertain significance (1 of 4 stars; one submission).

Allele frequency attached by ClinVar (database versions not stated): TOPMed below 0.00001.

Submission:

Labcorp Genetics (formerly Invitae), Labcorp
Classification: Uncertain significance. Last evaluated: 2022-11-15. Review status: criteria provided, single submitter. Criteria: Invitae Variant Classification Sherloc (09022015). Collection method: clinical testing. Allele origin: germline.
Comment: In summary, the available evidence is currently insufficient to determine the role of this variant in disease. Therefore, it has been classified as a Variant of Uncertain Significance. This sequence change replaces glycine, which is neutral and non-polar, with arginine, which is basic and polar, at codon 69 of the KRT5 protein (p.Gly69Arg). This variant is not present in population databases (gnomAD no frequency). This variant has not been reported in the literature in individuals affected with KRT5-related conditions. Algorithms developed to predict the effect of missense changes on protein structure and function (SIFT, PolyPhen-2, Align-GVGD) all suggest that this variant is likely to be disruptive.